The following is an entry in ClinVar:

ClinVar aggregate classification (germline): Uncertain significance. Review status: criteria provided, multiple submitters, no conflicts (2 of 4 stars). 2 submissions from 2 submitters: Uncertain significance (2). Last evaluated 2025-08-23.

Conditions:
Familial cold autoinflammatory syndrome 2 (FCAS2). Identifiers: Orphanet 247868, MedGen C2673198, MONDO:0012724, OMIM 611762.

Allele frequency attached by ClinVar (database versions not stated): gnomAD exomes below 0.00001; gnomAD 0.00001; TOPMed 0.00002.
gnomAD v4.1: 4 of 1,613,904 alleles (0.00025%); highest among the groups gnomAD compares: Non-Finnish European, 0.00025%; no homozygotes.

Submissions (2):

Mayo Clinic Laboratories, Mayo Clinic
Classification: Uncertain significance. Last evaluated: 2025-08-23. Review status: criteria provided, single submitter. Criteria: ACMG Guidelines, 2015. Collection method: clinical testing. Allele origin: germline. Observed: 1 variant allele.
Comment: BP4_moderate, PM2_supporting

Labcorp Genetics (formerly Invitae), Labcorp
Classification: Uncertain significance for Familial cold autoinflammatory syndrome 2. Last evaluated: 2023-08-17. Review status: criteria provided, single submitter. Criteria: Invitae Variant Classification Sherloc (09022015). Collection method: clinical testing. Allele origin: germline.
Comment: In summary, the available evidence is currently insufficient to determine the role of this variant in disease. Therefore, it has been classified as a Variant of Uncertain Significance. Advanced modeling of protein sequence and biophysical properties (such as structural, functional, and spatial information, amino acid conservation, physicochemical variation, residue mobility, and thermodynamic stability) performed at Invitae indicates that this missense variant is not expected to disrupt NLRP12 protein function. ClinVar contains an entry for this variant (Variation ID: 1522275). This variant has not been reported in the literature in individuals affected with NLRP12-related conditions. This variant is present in population databases (no rsID available, gnomAD 0.0009%). This sequence change replaces valine, which is neutral and non-polar, with alanine, which is neutral and non-polar, at codon 285 of the NLRP12 protein (p.Val285Ala).

NM_144687.4(NLRP12):c.854T>C (p.Val285Ala)

Gene: NLRP12 (NLR family pyrin domain containing 12; minus strand). Cytogenetic location: 19q13.42.
Variant type: single nucleotide variant.
Coding change: c.854T>C on transcript NM_144687.4 (MANE Select); coding-DNA position 854, T replaced by C.
Protein change: p.Val285Ala; replaces valine 285 with alanine.
Molecular consequence: missense variant.
Genome position (GRCh38, 1-based): chr19:53,810,805, A>G on the plus strand (T>C on the coding strand, the complement: NLRP12 is on the minus strand). VCF-style: chr19-53810805-A-G. GRCh37 (hg19) VCF-style: chr19-54314059-A-G.
Other names: p.Val285Ala; c.854T>C (NM_144687.3); c.854T>C, p.Val285Ala (NM_001277126.2, NM_001277129.1); short protein forms V285A.
Identifiers: ClinVar variation 1522275 (VCV001522275.7), dbSNP rs910232490, ClinGen allele CA310070968.
Genomic context (GRCh38, chr19:53,810,805, plus strand): 5'-TCGTGGAAAGAAGGCTTGAGCTCATCGAAGCCGTCGATGATGAAAAGGAGGCGCTCGGGA[A>G]CTCGGATGAGCTCCTGGAGAGGCGCGCTGGGCTCAGGCCAGCAGCTGAAGATGAGGTCTT-3'
Protein context (NP_653288.1, residues 275-295): PSAPLQELIR[Val285Ala]PERLLFIIDG